The following is an entry in ClinVar:

ClinVar aggregate classification (germline): Uncertain significance (1 of 4 stars; one submission).

Submission:

Labcorp Genetics (formerly Invitae), Labcorp
Classification: Uncertain significance. Last evaluated: 2023-04-09. Review status: criteria provided, single submitter. Criteria: Invitae Variant Classification Sherloc (09022015). Collection method: clinical testing. Allele origin: germline.
Comment: In summary, the available evidence is currently insufficient to determine the role of this variant in disease. Therefore, it has been classified as a Variant of Uncertain Significance. Algorithms developed to predict the effect of sequence changes on RNA splicing suggest that this variant may disrupt the consensus splice site. This variant has not been reported in the literature in individuals affected with RUSC2-related conditions. This variant is not present in population databases (gnomAD no frequency). This variant, c.3720_3731del, results in the deletion of 4 amino acid(s) of the RUSC2 protein (p.Glu1243_Glu1246del), but otherwise preserves the integrity of the reading frame.

NM_014806.5(RUSC2):c.3720_3731del (p.Glu1243_Glu1246del)

Gene: RUSC2 (RUN and SH3 domain containing 2; plus strand). Cytogenetic location: 9p13.3.
Variant type: Deletion.
Coding change: c.3720_3731del on transcript NM_014806.5 (MANE Select); coding-DNA positions 3720 to 3731, 12 bases deleted (GGAAGAGGAAGA).
Protein change: p.Glu1243_Glu1246del.
Molecular consequence: inframe deletion. On other transcripts: non-coding transcript variant (1).
Genome position (GRCh38, 1-based): chr9:35,560,360-35,560,371, GGAAGAGGAAGA deleted; deleting any 12 consecutive bases within chr9:35,560,355-35,560,371 gives the same sequence; the c. name uses the placement nearest the transcript's 3' end. VCF-style (leftmost placement, unchanged base first): chr9-35560354-AGAAGAGGAAGAG-A. GRCh37 (hg19) VCF-style: chr9-35560351-AGAAGAGGAAGAG-A.
Other names: c.3720_3731del, p.Glu1243_Glu1246del (NM_001135999.2); c.1086_1097del, p.Glu365_Glu368del (NM_001330740.2).
Identifiers: ClinVar variation 2854411 (VCV002854411.3), dbSNP rs145749994, ClinGen allele CA2689869596.